The following is an entry in ClinVar:

NM_182961.4(SYNE1):c.6014G>T (p.Arg2005Leu)

Gene: SYNE1 (spectrin repeat containing nuclear envelope protein 1; minus strand). Cytogenetic location: 6q25.2.
Variant type: single nucleotide variant.
Coding change: c.6014G>T on transcript NM_182961.4 (MANE Select); coding-DNA position 6014, G replaced by T.
Protein change: p.Arg2005Leu; replaces arginine 2005 with leucine.
Molecular consequence: missense variant.
Genome position (GRCh38, 1-based): chr6:152,416,423, C>A on the plus strand (G>T on the coding strand, the complement: SYNE1 is on the minus strand). VCF-style: chr6-152416423-C-A. GRCh37 (hg19) VCF-style: chr6-152737558-C-A.
Other names: c.6035G>T, p.Arg2012Leu (NM_033071.5); short protein forms R2012L, R2005L.
Identifiers: ClinVar variation 2934464 (VCV002934464.3), dbSNP rs2098156037, ClinGen allele CA366131374.

ClinVar aggregate classification (germline): Uncertain significance (1 of 4 stars; one submission).

Conditions:
Emery-Dreifuss muscular dystrophy 4, autosomal dominant (EDMD4). Also called: EMERY-DREIFUSS MUSCULAR DYSTROPHY 4 WITH VARIABLE FEATURES. Identifiers: Orphanet 261, MedGen C2751807, MONDO:0013071, OMIM 612998.
Autosomal recessive ataxia, Beauce type. Also called: Spinocerebellar ataxia, autosomal recessive 8; ATAXIA, RECESSIVE, OF BEAUCE; SYNE1-Related Autosomal Recessive Cerebellar Ataxia; SYNE1 Deficiency. Identifiers: Orphanet 88644, MedGen C1853116, MONDO:0012549, OMIM 610743.

Submission:

Labcorp Genetics (formerly Invitae), Labcorp
Classification: Uncertain significance for Emery-Dreifuss muscular dystrophy 4, autosomal dominant; Autosomal recessive ataxia, Beauce type. Last evaluated: 2024-03-29. Review status: criteria provided, single submitter. Criteria: Invitae Variant Classification Sherloc (09022015). Collection method: clinical testing. Allele origin: germline.
Comment: This sequence change replaces arginine, which is basic and polar, with leucine, which is neutral and non-polar, at codon 2012 of the SYNE1 protein (p.Arg2012Leu). This variant is not present in population databases (gnomAD no frequency). This variant has not been reported in the literature in individuals affected with SYNE1-related conditions. An algorithm developed to predict the effect of missense changes on protein structure and function (PolyPhen-2) suggests that this variant is likely to be tolerated. In summary, the available evidence is currently insufficient to determine the role of this variant in disease. Therefore, it has been classified as a Variant of Uncertain Significance.